The following is an entry in ClinVar:

NM_001048174.2(MUTYH):c.519_520delinsAT (p.Met173_Pro174delinsIleSer)

Gene: MUTYH (mutY DNA glycosylase; minus strand). Cytogenetic location: 1p34.1.
Variant type: Indel.
Coding change: c.519_520delinsAT on transcript NM_001048174.2 (MANE Select); coding-DNA positions 519 to 520, GC replaced by AT.
Protein change: p.Met173_Pro174delinsIleSer.
Molecular consequence: missense variant. On other transcripts: non-coding transcript variant (2).
Genome position (GRCh38, 1-based): chr1:45,332,660-45,332,661, GC replaced by AT on the plus strand (GC replaced by AT on the coding strand, the reverse complement: MUTYH is on the minus strand). VCF-style: chr1-45332660-GC-AT. GRCh37 (hg19) VCF-style: chr1-45798332-GC-AT.
Other names: c.603_604delGCinsAT (NM_001128425.1); c.519_520delinsAT, p.Met173_Pro174delinsIleSer (NM_001048171.2, NM_001048173.2, NM_001293195.2); c.522_523delinsAT, p.Met174_Pro175delinsIleSer (NM_001048172.2); c.603_604delinsAT, p.Met201_Pro202delinsIleSer (NM_001128425.2); c.564_565delinsAT, p.Met188_Pro189delinsIleSer (NM_001293190.2); c.552_553delinsAT, p.Met184_Pro185delinsIleSer (NM_001293191.2); c.243_244delinsAT, p.Met81_Pro82delinsIleSer (NM_001293192.2, NM_001293196.2); c.174_175delinsAT, p.Met58_Pro59delinsIleSer (NM_001350650.2, NM_001350651.2); and 1 more.
Identifiers: ClinVar variation 464734 (VCV000464734.8), dbSNP rs1553128595, ClinGen allele CA658656927.

ClinVar aggregate classification (germline): Uncertain significance (1 of 4 stars; one submission).

Conditions:
Familial adenomatous polyposis 2. Also called: COLORECTAL ADENOMATOUS POLYPOSIS, AUTOSOMAL RECESSIVE; ADENOMAS, MULTIPLE COLORECTAL, AUTOSOMAL RECESSIVE; MUTYH-associated polyposis; FAP type 2; MUTYH-related attenuated familial adenomatous polyposis; Adenomas, multiple colorectal. Identifiers: Orphanet 220460, Orphanet 247798, MedGen C3272841, MONDO:0012041, OMIM 608456.

Submission:

Labcorp Genetics (formerly Invitae), Labcorp
Classification: Uncertain significance for Familial adenomatous polyposis 2. Last evaluated: 2017-03-27. Review status: criteria provided, single submitter. Criteria: Invitae Variant Classification Sherloc (09022015). Collection method: clinical testing. Allele origin: germline.
Comment: In summary, this is a novel in-frame deletion-insertion with uncertain impact on protein function. It has been classified as a Variant of Uncertain Significance. Experimental studies and prediction algorithms are not available for this variant, and the functional significance of the inserted amino acids is currently unknown. This variant is not present in population databases (ExAC no frequency) and has not been reported in the literature in individuals with a MUTYH-related disease. This variant, c.603_604delGCinsAT, is a complex sequence change that results in the replacement of 2 amino acids of the MUTYH protein by 2 different ones (p.Met201_Pro202delinsIleSer).